The following is an entry in ClinVar:

ClinVar aggregate classification (germline): Pathogenic (1 of 4 stars; one submission).

Submission:

Labcorp Genetics (formerly Invitae), Labcorp
Classification: Pathogenic. Last evaluated: 2022-03-24. Review status: criteria provided, single submitter. Criteria: Invitae Variant Classification Sherloc (09022015). Collection method: clinical testing. Allele origin: germline.
Comment: For these reasons, this variant has been classified as Pathogenic. A similar copy number variant has been observed in individual(s) with AUTS2-related conditions (PMID: 20502679, 23332918, 27075013, 31602316). A gross deletion of the genomic region encompassing the full coding sequence of the AUTS2 gene has been identified. Loss-of-function variants in AUTS2 are known to be pathogenic (PMID: 25205402, 27075013). The boundaries of this event are unknown as they extend beyond the assayed region for this gene and therefore may encompass additional genes.

Literature cited by the submitters: PubMed 20502679; PubMed 23332918; PubMed 27075013; PubMed 31602316; PubMed 25205402.

NC_000007.13:g.(?_69064640)_(70255982_?)del

Gene: AUTS2 (activator of transcription and developmental regulator AUTS2; plus strand). Cytogenetic location: 7q11.22.
Variant type: Deletion.
Identifiers: ClinVar variation 2426187 (VCV002426187.3).